The following is an entry in ClinVar:

NM_006440.5(TXNRD2):c.754C>T (p.Pro252Ser)

Gene: TXNRD2 (thioredoxin reductase 2; minus strand). Cytogenetic location: 22q11.21.
Variant type: single nucleotide variant.
Coding change: c.754C>T on transcript NM_006440.5 (MANE Select); coding-DNA position 754, C replaced by T.
Protein change: p.Pro252Ser; replaces proline 252 with serine.
Molecular consequence: missense variant. On other transcripts: non-coding transcript variant (1).
Genome position (GRCh38, 1-based): chr22:19,898,059, G>A on the plus strand (C>T on the coding strand, the complement: TXNRD2 is on the minus strand). VCF-style: chr22-19898059-G-A. GRCh37 (hg19) VCF-style: chr22-19885582-G-A.
Other names: c.754C>T, p.Pro252Ser (NM_001282512.3); c.751C>T, p.Pro251Ser (NM_001352300.2); c.664C>T, p.Pro222Ser (NM_001352301.2); c.466C>T, p.Pro156Ser (NM_001352302.2); c.658C>T, p.Pro220Ser (NM_001352303.2); short protein forms P156S, P220S, P252S, P251S, P222S.
Identifiers: ClinVar variation 3713866 (VCV003713866.2).
Genomic context (GRCh38, chr22:19,898,059, plus strand): 5'-TCAGAGCCACAGGGGCGGGAGCTGGGGCCTCCAGCACTACCTGGTCGAAGCCGCGGAGGG[G>A]GATGCTGCGCATCATGATGGTGGTGTCCAGCCCAATCCCGGTGAGGAAGCCAGCACACTC-3'
Protein context (NP_006431.2, residues 242-262): LDTTIMMRSI[Pro252Ser]LRGFDQQMSS

ClinVar aggregate classification (germline): Uncertain significance (1 of 4 stars; one submission).

Conditions:
Primary dilated cardiomyopathy (DCM). Also called: Dilated Cardiomyopathy. Identifiers: Orphanet 217604, MedGen C0007193, MeSH D002311, MONDO:0005021, HP:0001644. Inheritance: Various modes of inheritance.

gnomAD v4.1: 2 of 1,560,538 alleles (0.00013%); highest among the groups gnomAD compares: Non-Finnish European, 0.00017%; no homozygotes.

Submission:

Labcorp Genetics (formerly Invitae), Labcorp
Classification: Uncertain significance for Primary dilated cardiomyopathy. Last evaluated: 2024-10-22. Review status: criteria provided, single submitter. Criteria: Invitae Variant Classification Sherloc (09022015). Collection method: clinical testing. Allele origin: germline.
Comment: This sequence change replaces proline, which is neutral and non-polar, with serine, which is neutral and polar, at codon 252 of the TXNRD2 protein (p.Pro252Ser). This variant is not present in population databases (gnomAD no frequency). This variant has not been reported in the literature in individuals affected with TXNRD2-related conditions. Invitae Evidence Modeling of protein sequence and biophysical properties (such as structural, functional, and spatial information, amino acid conservation, physicochemical variation, residue mobility, and thermodynamic stability) indicates that this missense variant is expected to disrupt TXNRD2 protein function with a positive predictive value of 80%. In summary, the available evidence is currently insufficient to determine the role of this variant in disease. Therefore, it has been classified as a Variant of Uncertain Significance.